The following is an entry in ClinVar:

NM_005271.5(GLUD1):c.446-22_446-7del

Gene: GLUD1 (glutamate dehydrogenase 1; minus strand). Cytogenetic location: 10q23.2.
Variant type: Deletion.
Coding change: c.446-22_446-7del on transcript NM_005271.5 (MANE Select); 22 bases into the intron before coding-DNA position 446 through 7 bases into the intron before coding-DNA position 446, 16 bases deleted (ATTTTTTTAAAAACAC).
Molecular consequence: intron variant.
Genome position (GRCh38, 1-based): chr10:87,076,663-87,076,678, GTGTTTTTAAAAAAAT deleted on the plus strand (ATTTTTTTAAAAACAC on the coding strand, the reverse complement: GLUD1 is on the minus strand); deleting any 16 consecutive bases within chr10:87,076,663-87,076,683 gives the same sequence; the c. name uses the placement nearest the transcript's 3' end. VCF-style (leftmost placement, unchanged base first): chr10-87076662-GGTGTTTTTAAAAAAAT-G. GRCh37 (hg19) VCF-style: chr10-88836419-GGTGTTTTTAAAAAAAT-G.
Other names: c.-56-22_-56-7del (NM_001318906.2, NM_001318904.2, NM_001318905.2 and 2 more transcripts); c.47-22_47-7del (NM_001318900.1).
Identifiers: ClinVar variation 4780680 (VCV004780680.1).

ClinVar aggregate classification (germline): Uncertain significance (1 of 4 stars; one submission).

Conditions:
Hyperinsulinism-hyperammonemia syndrome (HHF6). Identifiers: Orphanet 35878, MedGen C1847555, MONDO:0011717, OMIM 606762.

Submission:

Labcorp Genetics (formerly Invitae), Labcorp
Classification: Uncertain significance for Hyperinsulinism-hyperammonemia syndrome. Last evaluated: 2025-08-11. Review status: criteria provided, single submitter. Criteria: Invitae Variant Classification Sherloc (09022015). Collection method: clinical testing. Allele origin: germline.
Comment: This sequence change falls in intron 1 of the GLUD1 gene. It does not directly change the encoded amino acid sequence of the GLUD1 protein. This variant is present in population databases (no rsID available, gnomAD 0.0009%). This variant has not been reported in the literature in individuals affected with GLUD1-related conditions. Experimental studies and prediction algorithms are not available or were not evaluated, and the effect of this variant on mRNA splicing is currently unknown. In summary, the available evidence is currently insufficient to determine the role of this variant in disease. Therefore, it has been classified as a Variant of Uncertain Significance.